The following is an entry in ClinVar:

ClinVar aggregate classification (germline): Uncertain significance (1 of 4 stars; one submission).

gnomAD v4.1: 33 of 1,584,206 alleles (0.0021%); highest among the groups gnomAD compares: South Asian, 0.013%; 1 homozygote.

Submission:

Labcorp Genetics (formerly Invitae), Labcorp
Classification: Uncertain significance. Last evaluated: 2026-01-09. Review status: criteria provided, single submitter. Criteria: Invitae Variant Classification Sherloc (09022015). Collection method: clinical testing. Allele origin: germline.
Comment: This sequence change replaces serine, which is neutral and polar, with asparagine, which is neutral and polar, at codon 12 of the RP1L1 protein (p.Ser12Asn). This variant is present in population databases (rs371377638, gnomAD 0.004%). This variant has not been reported in the literature in individuals affected with RP1L1-related conditions. Invitae Evidence Modeling of protein sequence and biophysical properties (such as structural, functional, and spatial information, amino acid conservation, physicochemical variation, residue mobility, and thermodynamic stability) indicates that this missense variant is not expected to disrupt RP1L1 protein function with a negative predictive value of 80%. In summary, the available evidence is currently insufficient to determine the role of this variant in disease. Therefore, it has been classified as a Variant of Uncertain Significance.

NM_178857.6(RP1L1):c.35G>A (p.Ser12Asn)

Gene: RP1L1 (RP1 like 1). Cytogenetic location: 8p23.1.
Variant type: single nucleotide variant.
Coding change: c.35G>A on transcript NM_178857.6 (MANE Select); coding-DNA position 35, G replaced by A.
Protein change: p.Ser12Asn; replaces serine 12 with asparagine.
Molecular consequence: missense variant.
Genome position (GRCh38, 1-based): chr8:10,623,167, C>T on the plus strand (G>A on the coding strand, the complement: RP1L1 is on the minus strand). VCF-style: chr8-10623167-C-T. GRCh37 (hg19) VCF-style: chr8-10480677-C-T.
Other names: short protein forms S12N.
Identifiers: ClinVar variation 4753206 (VCV004753206.1).